The following is an entry in ClinVar:

NM_004364.5(CEBPA):c.600C>G (p.His200Gln)

Gene: CEBPA (CCAAT enhancer binding protein alpha; minus strand). Cytogenetic location: 19q13.11.
Variant type: single nucleotide variant.
Coding change: c.600C>G on transcript NM_004364.5 (MANE Select); coding-DNA position 600, C replaced by G.
Protein change: p.His200Gln; replaces histidine 200 with glutamine.
Molecular consequence: missense variant.
Genome position (GRCh38, 1-based): chr19:33,301,815, G>C on the plus strand (C>G on the coding strand, the complement: CEBPA is on the minus strand). VCF-style: chr19-33301815-G-C. GRCh37 (hg19) VCF-style: chr19-33792721-G-C.
Other names: c.243C>G, p.His81Gln (NM_001285829.2); c.705C>G, p.His235Gln (NM_001287424.2); c.558C>G, p.His186Gln (NM_001287435.2); short protein forms H186Q, H235Q, H81Q, H200Q.
Identifiers: ClinVar variation 2735662 (VCV002735662.3), dbSNP rs2513330120, ClinGen allele CA405274606.

ClinVar aggregate classification (germline): Uncertain significance (1 of 4 stars; one submission).

Conditions:
Acute myeloid leukemia (AML). Also called: Acute myeloid leukemia, adult; AML adult; Acute non-lymphocytic leukemia; Acute granulocytic leukemia; Leukemia, acute myeloid, somatic; Leukemia, acute myelogenous, somatic. Identifiers: Orphanet 519, MedGen C0023467, MeSH D015470, MONDO:0018874, OMIM 601626, HP:0004808. Disease mechanism: Constitutively activated FLT3.

Submission:

Labcorp Genetics (formerly Invitae), Labcorp
Classification: Uncertain significance for Acute myeloid leukemia. Last evaluated: 2023-07-03. Review status: criteria provided, single submitter. Criteria: Invitae Variant Classification Sherloc (09022015). Collection method: clinical testing. Allele origin: germline.
Comment: In summary, the available evidence is currently insufficient to determine the role of this variant in disease. Therefore, it has been classified as a Variant of Uncertain Significance. Advanced modeling of protein sequence and biophysical properties (such as structural, functional, and spatial information, amino acid conservation, physicochemical variation, residue mobility, and thermodynamic stability) performed at Invitae indicates that this missense variant is not expected to disrupt CEBPA protein function. This sequence change replaces histidine, which is basic and polar, with glutamine, which is neutral and polar, at codon 200 of the CEBPA protein (p.His200Gln). This variant has not been reported in the literature in individuals affected with CEBPA-related conditions. This variant is not present in population databases (gnomAD no frequency).